The following is an entry in ClinVar:

NC_000001.10:g.(?_235826240)_(235945407_?)dup

Gene: LYST (lysosomal trafficking regulator; minus strand). Cytogenetic location: 1q42.3.
Variant type: Duplication.
Identifiers: ClinVar variation 2422316 (VCV002422316.4).

ClinVar aggregate classification (germline): Uncertain significance (1 of 4 stars; one submission).

Conditions:
Chédiak-Higashi syndrome (CHS). Also called: Chediak-Higashi Syndrome. Identifiers: Orphanet 167, MedGen C0007965, MONDO:0008963, OMIM 214500.

Submission:

Labcorp Genetics (formerly Invitae), Labcorp
Classification: Uncertain significance for Chédiak-Higashi syndrome. Last evaluated: 2021-11-30. Review status: criteria provided, single submitter. Criteria: Invitae Variant Classification Sherloc (09022015). Collection method: clinical testing. Allele origin: germline.
Comment: In summary, the available evidence is currently insufficient to determine the role of this variant in disease. Therefore, it has been classified as a Variant of Uncertain Significance. Experimental studies and prediction algorithms are not available or were not evaluated, and the functional significance of this variant is currently unknown. This variant has not been reported in the literature in individuals affected with LYST-related conditions. This variant results in a copy number gain of the genomic region encompassing exon(s) 15-53 of the LYST gene. This region includes the termination codon of the gene. This copy number gain extends beyond the assayed region for this gene and therefore may encompass additional genes. As the precise location of this event is unknown, it may be in tandem or it may be located elsewhere in the genome.